The following is an entry in ClinVar:

ClinVar aggregate classification (germline): Conflicting classifications of pathogenicity. Review status: criteria provided, conflicting classifications (1 of 4 stars). 7 submissions from 7 submitters: Uncertain significance (4); Likely benign (1). 2 of the submissions do not count toward it. Last evaluated 2026-07-01.

Conditions:
TTN-related disorder. Also called: TTN-related condition; TTN-related disease; TTN-related disorders.

Allele frequency attached by ClinVar (database versions not stated): ExAC 0.00002; gnomAD exomes 0.00004; TOPMed 0.00008; gnomAD 0.00009.
gnomAD v4.1: 116 of 1,613,228 alleles (0.0072%); highest among the groups gnomAD compares: Middle Eastern, 0.016%; no homozygotes.

Submissions (7):

PreventionGenetics, part of Exact Sciences
Classification: Uncertain significance for TTN-related condition. Last evaluated: 2026-07-01. Review status: criteria provided, single submitter. Criteria: ACMG Guidelines, 2015. Collection method: clinical testing. Allele origin: germline.
Comment: The TTN c.79334G>A variant is predicted to result in the amino acid substitution p.Arg26445His. To our knowledge, this variant has not been reported in the literature. This variant is reported in 0.0083% of alleles in individuals of African descent in gnomAD. At this time, the clinical significance of this variant is uncertain due to the absence of conclusive functional and genetic evidence.

Revvity Omics, Revvity
Classification: Uncertain significance. Last evaluated: 2023-05-18. Review status: criteria provided, single submitter. Criteria: ACMG Guidelines, 2015. Collection method: clinical testing. Allele origin: germline.

Athena Diagnostics
Classification: Uncertain significance. Last evaluated: 2018-09-14. Review status: criteria provided, single submitter. Criteria: Athena Diagnostics Criteria. Collection method: clinical testing. Allele origin: germline.

Eurofins Ntd Llc (ga)
Classification: Uncertain significance. Last evaluated: 2018-08-16. Review status: criteria provided, single submitter. Criteria: EGL ClinVar v180209 classification definitions. Collection method: clinical testing. Allele origin: germline. Observed: 4 variant alleles, 4 heterozygotes.

GeneDx
Classification: Likely benign. Last evaluated: 2018-03-06. Review status: criteria provided, single submitter. Criteria: GeneDx Variant Classification (06012015). Collection method: clinical testing. Allele origin: germline. Affected: yes.
Comment: This variant is considered likely benign or benign based on one or more of the following criteria: it is a conservative change, it occurs at a poorly conserved position in the protein, it is predicted to be benign by multiple in silico algorithms, and/or has population frequency not consistent with disease.

Clinical Genetics DNA and cytogenetics Diagnostics Lab, Erasmus MC, Erasmus Medical Center
Classification: Uncertain significance. Review status: no assertion criteria provided. Collection method: clinical testing. Allele origin: germline. Affected: yes. Study: VKGL Data-share Consensus. Not counted in ClinVar's aggregate classification.

Genome Diagnostics Laboratory, University Medical Center Utrecht
Classification: Uncertain significance. Review status: no assertion criteria provided. Collection method: clinical testing. Allele origin: germline. Affected: yes. Study: VKGL Data-share Consensus. Not counted in ClinVar's aggregate classification.

NM_001267550.2(TTN):c.79334G>A (p.Arg26445His)

Genes: TTN (titin; minus strand), TTN-AS1 (TTN antisense RNA 1; plus strand). Cytogenetic location: 2q31.2.
Variant type: single nucleotide variant.
Coding change: c.79334G>A on transcript NM_001267550.2 (MANE Select); coding-DNA position 79334, G replaced by A.
Protein change: p.Arg26445His; replaces arginine 26445 with histidine.
Molecular consequence: missense variant.
Genome position (GRCh38, 1-based): chr2:178,566,798, C>T on the plus strand (G>A on the coding strand, the complement: TTN is on the minus strand). VCF-style: chr2-178566798-C-T. GRCh37 (hg19) VCF-style: chr2-179431525-C-T.
Other names: c.74411G>A, p.Arg24804His (NM_001256850.1); c.52139G>A, p.Arg17380His (NM_003319.4); c.71630G>A, p.Arg23877His (NM_133378.4); c.52514G>A, p.Arg17505His (NM_133432.3); c.52715G>A, p.Arg17572His (NM_133437.4); short protein forms R23877H, R26445H, R24804H, R17572H, R17380H, R17505H.
Identifiers: ClinVar variation 497024 (VCV000497024.12), dbSNP rs764254441, ClinGen allele CA1989487.